The following is an entry in ClinVar:

ClinVar aggregate classification (germline): Uncertain significance (1 of 4 stars; one submission).

gnomAD v4.1: 1 of 1,614,194 alleles (0.000062%); no homozygotes.

Submission:

Ambry Genetics
Classification: Uncertain significance. Last evaluated: 2024-11-02. Review status: criteria provided, single submitter. Criteria: Ambry Variant Classification Scheme 2023. Collection method: clinical testing. Allele origin: germline.
Comment: The p.K487E variant (also known as c.1459A>G), located in coding exon 13 of the NPAT gene, results from an A to G substitution at nucleotide position 1459. The lysine at codon 487 is replaced by glutamic acid, an amino acid with similar properties. This amino acid position is conserved. In addition, this alteration is predicted to be tolerated by in silico analysis. Based on the available evidence, the clinical significance of this variant remains unclear.

NM_002519.3(NPAT):c.1459A>G (p.Lys487Glu)

Gene: NPAT (nuclear protein, coactivator of histone transcription; minus strand). Cytogenetic location: 11q22.3.
Variant type: single nucleotide variant.
Coding change: c.1459A>G on transcript NM_002519.3 (MANE Select); coding-DNA position 1459, A replaced by G.
Protein change: p.Lys487Glu; replaces lysine 487 with glutamic acid.
Molecular consequence: missense variant.
Genome position (GRCh38, 1-based): chr11:108,173,525, T>C on the plus strand (A>G on the coding strand, the complement: NPAT is on the minus strand). VCF-style: chr11-108173525-T-C. GRCh37 (hg19) VCF-style: chr11-108044252-T-C.
Other names: c.1459A>G, p.Lys487Glu (NM_001321307.1); short protein forms K487E.
Identifiers: ClinVar variation 3407266 (VCV003407266.1).